The following is an entry in ClinVar:

ClinVar aggregate classification (germline): Uncertain significance (1 of 4 stars; one submission).

Conditions:
Cardiovascular phenotype. Identifiers: MedGen CN230736.

Allele frequency attached by ClinVar (database versions not stated): gnomAD exomes 0.00001.
gnomAD v4.1: 3 of 1,614,088 alleles (0.00019%); highest among the groups gnomAD compares: Non-Finnish European, 0.00025%; no homozygotes.

Submission:

Ambry Genetics
Classification: Uncertain significance for Cardiovascular phenotype. Last evaluated: 2022-11-02. Review status: criteria provided, single submitter. Criteria: Ambry Variant Classification Scheme 2023. Collection method: clinical testing. Allele origin: germline.
Comment: The p.S211G variant (also known as c.631A>G), located in coding exon 4 of the PRKAG2 gene, results from an A to G substitution at nucleotide position 631. The serine at codon 211 is replaced by glycine, an amino acid with similar properties. This amino acid position is conserved. In addition, the in silico prediction for this alteration is inconclusive. Since supporting evidence is limited at this time, the clinical significance of this alteration remains unclear.

NM_016203.4(PRKAG2):c.631A>G (p.Ser211Gly)

Gene: PRKAG2 (protein kinase AMP-activated non-catalytic subunit gamma 2; minus strand). Cytogenetic location: 7q36.1.
Variant type: single nucleotide variant.
Coding change: c.631A>G on transcript NM_016203.4 (MANE Select); coding-DNA position 631, A replaced by G.
Protein change: p.Ser211Gly; replaces serine 211 with glycine.
Molecular consequence: missense variant. On other transcripts: intron variant (5).
Genome position (GRCh38, 1-based): chr7:151,675,473, T>C on the plus strand (A>G on the coding strand, the complement: PRKAG2 is on the minus strand). VCF-style: chr7-151675473-T-C. GRCh37 (hg19) VCF-style: chr7-151372559-T-C.
Other names: c.499A>G, p.Ser167Gly (NM_001040633.2, NM_001407024.1, NM_001407026.1 and 1 more transcripts); c.259A>G, p.Ser87Gly (NM_001304527.2, NM_001363698.2, NM_001407028.1 and 1 more transcripts); c.631A>G, p.Ser211Gly (NM_001407021.1, NM_001407022.1, NM_001407023.1); c.313A>G, p.Ser105Gly (NM_001407032.1); c.467-80022A>G (NM_001407031.1); c.467-80019A>G (NM_001407030.1); c.361-43335A>G (NM_001407033.1); c.94+60427A>G (NM_001407037.1); and 1 more; short protein forms S211G, S87G, S105G, S167G.
Identifiers: ClinVar variation 2452941 (VCV002452941.2), dbSNP rs2537255569, ClinGen allele CA370187222.